The following is an entry in ClinVar:

NM_014362.4(HIBCH):c.991C>T (p.Arg331Trp)

Gene: HIBCH (3-hydroxyisobutyryl-CoA hydrolase; minus strand). Cytogenetic location: 2q32.2.
Variant type: single nucleotide variant.
Coding change: c.991C>T on transcript NM_014362.4 (MANE Select); coding-DNA position 991, C replaced by T.
Protein change: p.Arg331Trp; replaces arginine 331 with tryptophan.
Molecular consequence: missense variant.
Genome position (GRCh38, 1-based): chr2:190,212,976, G>A on the plus strand (C>T on the coding strand, the complement: HIBCH is on the minus strand). VCF-style: chr2-190212976-G-A. GRCh37 (hg19) VCF-style: chr2-191077702-G-A.
Other names: c.991C>T, p.Arg331Trp (NM_198047.3); short protein forms R331W.
Identifiers: ClinVar variation 2580229 (VCV002580229.1), dbSNP rs569593420, ClinGen allele CA2027413.
Genomic context (GRCh38, chr2:190,212,976, plus strand): 5'-TTTAGAACTAAAAAATGACATTTTTTTTTTAAATTCTTACCATACAAGCTTGACTTAGCC[G>A]ATACTCCATAGTTAGTACTTCTTGCAAGGTCTTTGAAGACCCCTCCATGAGTTGCCTTAG-3'
Protein context (NP_055177.2, residues 321-341): TLQEVLTMEY[Arg331Trp]LSQACMRGHD

ClinVar aggregate classification (germline): Uncertain significance (1 of 4 stars; one submission).

Conditions:
Mitochondrial disease. Also called: Mitochondrial disorder; Mitochondrial disorders. Identifiers: Orphanet 68380, MedGen C0751651, MeSH D028361, MONDO:0044970.

Allele frequency attached by ClinVar (database versions not stated): TOPMed 0.00002; 1000 Genomes Project 0.00020; 1000 Genomes Project 30x 0.00031; ExAC 0.00001; gnomAD 0.00001; gnomAD exomes 0.00001.
gnomAD v4.1: 20 of 1,611,264 alleles (0.0012%); highest among the groups gnomAD compares: Admixed American, 0.0033%; no homozygotes.

Submission:

Illumina Laboratory Services, Illumina
Classification: Uncertain significance for Mitochondrial disease. Last evaluated: 2023-05-04. Review status: criteria provided, single submitter. Criteria: ICSLVariantClassificationCriteria RUGD 01 April 2020. Collection method: clinical testing. Allele origin: unknown.
Comment: The HIBCH c.991C>T (p.Arg331Trp) missense variant has been previously identified in trans with a likely pathogenic variant in an individual with Leigh syndrome (PMID: 35094435). The variant is not observed at a significant frequency in version 2.1.1 or version 3.1.2 of the Genome Aggregation Database. Based on the available evidence, the c.991C>T (p.Arg331Trp) variant is classified as a variant of uncertain significance for primary mitochondrial disorder.